The following is an entry in ClinVar:

NM_005422.4(TECTA):c.1163A>G (p.Tyr388Cys)

Genes: TBCEL-TECTA (TBCEL-TECTA readthrough; plus strand), TECTA (tectorin alpha; plus strand). Cytogenetic location: 11q23.3.
Variant type: single nucleotide variant.
Coding change: c.1163A>G on transcript NM_005422.4 (MANE Select); coding-DNA position 1163, A replaced by G.
Protein change: p.Tyr388Cys; replaces tyrosine 388 with cysteine.
Molecular consequence: missense variant.
Genome position (GRCh38, 1-based): chr11:121,118,678, A>G. VCF-style: chr11-121118678-A-G. GRCh37 (hg19) VCF-style: chr11-120989387-A-G.
Other names: c.2120A>G, p.Tyr707Cys (NM_001378761.1); short protein forms Y388C, Y707C.
Identifiers: ClinVar variation 4528121 (VCV004528121.1).

ClinVar aggregate classification (germline): Uncertain significance (1 of 4 stars; one submission).

gnomAD v4.1: 1 of 1,613,980 alleles (0.000062%); highest among the groups gnomAD compares: Admixed American, 0.0017%; no homozygotes.

Submission:

GeneDx
Classification: Uncertain significance. Last evaluated: 2025-05-05. Review status: criteria provided, single submitter. Criteria: GeneDx Variant Classification Process June 2021. Collection method: clinical testing. Allele origin: germline. Affected: yes.
Comment: Not observed at significant frequency in large population cohorts (gnomAD); In silico analysis supports that this missense variant has a deleterious effect on protein structure/function; Has not been previously published as pathogenic or benign to our knowledge; This variant is associated with the following publications: (PMID: 21520338, 31554319, 9590290)